The following is an entry in ClinVar:

NM_024753.5(TTC21B):c.3555A>C (p.Lys1185Asn)

Gene: TTC21B (tetratricopeptide repeat domain 21B; minus strand). Cytogenetic location: 2q24.3.
Variant type: single nucleotide variant.
Coding change: c.3555A>C on transcript NM_024753.5 (MANE Select); coding-DNA position 3555, A replaced by C.
Protein change: p.Lys1185Asn; replaces lysine 1185 with asparagine.
Molecular consequence: missense variant.
Genome position (GRCh38, 1-based): chr2:165,883,923, T>G on the plus strand (A>C on the coding strand, the complement: TTC21B is on the minus strand). VCF-style: chr2-165883923-T-G. GRCh37 (hg19) VCF-style: chr2-166740433-T-G.
Other names: short protein forms K1185N.
Identifiers: ClinVar variation 4999071 (VCV004999071.1).

ClinVar aggregate classification (germline): Uncertain significance (1 of 4 stars; one submission).

Conditions:
TTC21B-related disorder. Also called: TTC21B-related condition; TTC21B-related disorders.

gnomAD v4.1: 2 of 1,614,038 alleles (0.00012%); highest among the groups gnomAD compares: African/African-American, 0.0027%; no homozygotes.

Submission:

PreventionGenetics, part of Exact Sciences
Classification: Uncertain significance for TTC21B-related condition. Last evaluated: 2026-08-06. Review status: criteria provided, single submitter. Criteria: ACMG Guidelines, 2015. Collection method: clinical testing. Allele origin: germline.
Comment: The TTC21B c.3555A>C variant is predicted to result in the amino acid substitution p.Lys1185Asn. To our knowledge, this variant has not been reported in the literature or in a large population database (gnomAD), indicating this variant is rare. At this time, the clinical significance of this variant is uncertain due to the absence of conclusive functional and genetic evidence.